The following is an entry in ClinVar:

NM_020800.3(IFT80):c.2028A>C (p.Glu676Asp)

Genes: TRIM59-IFT80 (TRIM59-IFT80 readthrough (NMD candidate); minus strand), IFT80 (intraflagellar transport 80; minus strand). Cytogenetic location: 3q25.33.
Variant type: single nucleotide variant.
Coding change: c.2028A>C on transcript NM_020800.3 (MANE Select); coding-DNA position 2028, A replaced by C.
Protein change: p.Glu676Asp; replaces glutamic acid 676 with aspartic acid.
Molecular consequence: missense variant. On other transcripts: non-coding transcript variant (3).
Genome position (GRCh38, 1-based): chr3:160,277,377, T>G on the plus strand (A>C on the coding strand, the complement: IFT80 is on the minus strand). VCF-style: chr3-160277377-T-G. GRCh37 (hg19) VCF-style: chr3-159995165-T-G.
Other names: c.1617A>C, p.Glu539Asp (NM_001190241.2, NM_001190242.2); short protein forms E539D, E676D.
Identifiers: ClinVar variation 1381805 (VCV001381805.3), dbSNP rs1714347314, ClinGen allele CA355190269.

ClinVar aggregate classification (germline): Uncertain significance (1 of 4 stars; one submission).

Conditions:
Jeune thoracic dystrophy. Also called: Short-rib thoracic dysplasia; Jeune syndrome; Infantile thoracic dystrophy; Thoracic pelvic phalangeal dystrophy; Jeune's syndrome; Chondroectodermal dysplasia-like syndrome. Identifiers: Orphanet 474, MedGen C0265275, MONDO:0018770.

gnomAD v4.1: 1 of 1,613,788 alleles (0.000062%); highest among the groups gnomAD compares: Non-Finnish European, 0.000085%; no homozygotes.

Submission:

Labcorp Genetics (formerly Invitae), Labcorp
Classification: Uncertain significance for Jeune thoracic dystrophy. Last evaluated: 2022-02-18. Review status: criteria provided, single submitter. Criteria: Invitae Variant Classification Sherloc (09022015). Collection method: clinical testing. Allele origin: germline.
Comment: This sequence change replaces glutamic acid, which is acidic and polar, with aspartic acid, which is acidic and polar, at codon 676 of the IFT80 protein (p.Glu676Asp). This variant is not present in population databases (gnomAD no frequency). This variant has not been reported in the literature in individuals affected with IFT80-related conditions. Algorithms developed to predict the effect of missense changes on protein structure and function are either unavailable or do not agree on the potential impact of this missense change (SIFT: "Tolerated"; PolyPhen-2: "Probably Damaging"; Align-GVGD: "Class C0"). In summary, the available evidence is currently insufficient to determine the role of this variant in disease. Therefore, it has been classified as a Variant of Uncertain Significance.